The following is an entry in ClinVar:

ClinVar aggregate classification (germline): Uncertain significance (1 of 4 stars; one submission).

Conditions:
Baller-Gerold syndrome (BGS). Also called: CRANIOSYNOSTOSIS WITH RADIAL DEFECTS. Identifiers: Orphanet 1225, MedGen C0265308, MONDO:0009039, OMIM 218600.

Submission:

Labcorp Genetics (formerly Invitae), Labcorp
Classification: Uncertain significance for Baller-Gerold syndrome. Last evaluated: 2020-07-08. Review status: criteria provided, single submitter. Criteria: Invitae Variant Classification Sherloc (09022015). Collection method: clinical testing. Allele origin: germline.
Comment: In summary, the available evidence is currently insufficient to determine the role of this variant in disease. Therefore, it has been classified as a Variant of Uncertain Significance. Experimental studies and prediction algorithms are not available or were not evaluated, and the functional significance of this variant is currently unknown. This variant has not been reported in the literature in individuals with RECQL4-related conditions. This variant is not present in population databases (ExAC no frequency). This sequence change replaces serine with threonine at codon 702 of the RECQL4 protein (p.Ser702Thr). The serine residue is highly conserved and there is a small physicochemical difference between serine and threonine.

NM_004260.4(RECQL4):c.2104T>A (p.Ser702Thr)

Gene: RECQL4 (RecQ like helicase 4; minus strand). Cytogenetic location: 8q24.3.
Variant type: single nucleotide variant.
Coding change: c.2104T>A on transcript NM_004260.4 (MANE Select); coding-DNA position 2104, T replaced by A.
Protein change: p.Ser702Thr; replaces serine 702 with threonine.
Molecular consequence: missense variant.
Genome position (GRCh38, 1-based): chr8:144,513,667, A>T on the plus strand (T>A on the coding strand, the complement: RECQL4 is on the minus strand). VCF-style: chr8-144513667-A-T. GRCh37 (hg19) VCF-style: chr8-145739051-A-T.
Other names: short protein forms S702T.
Identifiers: ClinVar variation 1039787 (VCV001039787.3), dbSNP rs1827681779, ClinGen allele CA372679936.